The following is an entry in ClinVar:

ClinVar aggregate classification (germline): Uncertain significance. Review status: criteria provided, multiple submitters, no conflicts (2 of 4 stars). 3 submissions from 3 submitters: Uncertain significance (3). Last evaluated 2026-01-23.

Allele frequency attached by ClinVar (database versions not stated): gnomAD exomes 0.00003.

Submissions (3):

Women's Health and Genetics/Laboratory Corporation of America, LabCorp
Classification: Uncertain significance. Last evaluated: 2026-01-23. Review status: criteria provided, single submitter. Criteria: LabCorp Variant Classification Summary - May 2015. Collection method: clinical testing. Allele origin: germline.

Labcorp Genetics (formerly Invitae), Labcorp
Classification: Uncertain significance. Last evaluated: 2025-08-15. Review status: criteria provided, single submitter. Criteria: Invitae Variant Classification Sherloc (09022015). Collection method: clinical testing. Allele origin: germline.
Comment: This sequence change replaces arginine, which is basic and polar, with tryptophan, which is neutral and slightly polar, at codon 96 of the RELA protein (p.Arg96Trp). This variant is present in population databases (rs759715841, gnomAD 0.02%). This variant has not been reported in the literature in individuals affected with RELA-related conditions. ClinVar contains an entry for this variant (Variation ID: 1461038). An algorithm developed to predict the effect of missense changes on protein structure and function (PolyPhen-2) suggests that this variant is likely to be disruptive. In summary, the available evidence is currently insufficient to determine the role of this variant in disease. Therefore, it has been classified as a Variant of Uncertain Significance.

Ambry Genetics
Classification: Uncertain significance. Last evaluated: 2024-06-18. Review status: criteria provided, single submitter. Criteria: Ambry Variant Classification Scheme 2023. Collection method: clinical testing. Allele origin: germline.

NM_021975.4(RELA):c.286C>T (p.Arg96Trp)

Gene: RELA (RELA proto-oncogene, NF-kB subunit; minus strand). Cytogenetic location: 11q13.1.
Variant type: single nucleotide variant.
Coding change: c.286C>T on transcript NM_021975.4 (MANE Select); coding-DNA position 286, C replaced by T.
Protein change: p.Arg96Trp; replaces arginine 96 with tryptophan.
Molecular consequence: missense variant.
Genome position (GRCh38, 1-based): chr11:65,661,736, G>A on the plus strand (C>T on the coding strand, the complement: RELA is on the minus strand). VCF-style: chr11-65661736-G-A. GRCh37 (hg19) VCF-style: chr11-65429207-G-A.
Other names: c.286C>T (NM_021975.3); c.286C>T, p.Arg96Trp (NM_001145138.2, NM_001243984.2, NM_001243985.2); short protein forms R96W.
Identifiers: ClinVar variation 1461038 (VCV001461038.10), dbSNP rs759715841, ClinGen allele CA6106940.